The following is an entry in ClinVar:

NM_014806.5(RUSC2):c.1513C>T (p.Arg505Cys)

Gene: RUSC2 (RUN and SH3 domain containing 2; plus strand). Cytogenetic location: 9p13.3.
Variant type: single nucleotide variant.
Coding change: c.1513C>T on transcript NM_014806.5 (MANE Select); coding-DNA position 1513, C replaced by T.
Protein change: p.Arg505Cys; replaces arginine 505 with cysteine.
Molecular consequence: missense variant. On other transcripts: non-coding transcript variant (1), intron variant (1).
Genome position (GRCh38, 1-based): chr9:35,548,034, C>T. VCF-style: chr9-35548034-C-T. GRCh37 (hg19) VCF-style: chr9-35548031-C-T.
Other names: c.1513C>T, p.Arg505Cys (NM_001135999.2); c.-620-7026C>T (NM_001330740.2); c.1513C>T (NM_001135999.1); short protein forms R505C.
Identifiers: ClinVar variation 1347577 (VCV001347577.6), dbSNP rs200615669, ClinGen allele CA5043657.

ClinVar aggregate classification (germline): Uncertain significance. Review status: criteria provided, multiple submitters, no conflicts (2 of 4 stars). 2 submissions from 2 submitters: Uncertain significance (2). Last evaluated 2022-07-25.

Allele frequency attached by ClinVar (database versions not stated): gnomAD exomes 0.00001 and 0.00002; ExAC 0.00004; gnomAD 0.00005 and 0.00006; TOPMed 0.00009.
gnomAD v4.1: 22 of 1,613,636 alleles (0.0014%); highest among the groups gnomAD compares: Admixed American, 0.005%; no homozygotes.

Submissions (2):

Labcorp Genetics (formerly Invitae), Labcorp
Classification: Uncertain significance. Last evaluated: 2022-07-25. Review status: criteria provided, single submitter. Criteria: Invitae Variant Classification Sherloc (09022015). Collection method: clinical testing. Allele origin: germline.
Comment: This sequence change replaces arginine, which is basic and polar, with cysteine, which is neutral and slightly polar, at codon 505 of the RUSC2 protein (p.Arg505Cys). This variant is present in population databases (rs200615669, gnomAD 0.004%). This variant has not been reported in the literature in individuals affected with RUSC2-related conditions. ClinVar contains an entry for this variant (Variation ID: 1347577). Algorithms developed to predict the effect of missense changes on protein structure and function (SIFT, PolyPhen-2, Align-GVGD) all suggest that this variant is likely to be disruptive. In summary, the available evidence is currently insufficient to determine the role of this variant in disease. Therefore, it has been classified as a Variant of Uncertain Significance.

Ambry Genetics
Classification: Uncertain significance. Last evaluated: 2021-06-22. Review status: criteria provided, single submitter. Criteria: Ambry Variant Classification Scheme 2023. Collection method: clinical testing. Allele origin: germline.